The following is an entry in ClinVar:

NM_206933.4(USH2A):c.7301-1G>A

Gene: USH2A (usherin; minus strand). Cytogenetic location: 1q41.
Variant type: single nucleotide variant.
Coding change: c.7301-1G>A on transcript NM_206933.4 (MANE Select); the canonical splice acceptor site of the intron before coding-DNA position 7301, G replaced by A.
Molecular consequence: splice acceptor variant.
Genome position (GRCh38, 1-based): chr1:215,900,906, C>T on the plus strand (G>A on the coding strand, the complement: USH2A is on the minus strand). VCF-style: chr1-215900906-C-T. GRCh37 (hg19) VCF-style: chr1-216074248-C-T.
Identifiers: ClinVar variation 954043 (VCV000954043.11), dbSNP rs1438496892, ClinGen allele CA344850608.

ClinVar aggregate classification (germline): Pathogenic/Likely pathogenic. Review status: criteria provided, multiple submitters, no conflicts (2 of 4 stars). 3 submissions from 3 submitters: Pathogenic (2); Likely pathogenic (1). Last evaluated 2026-01-14.

Conditions:
Retinitis pigmentosa 39 (RP39). Identifiers: Orphanet 791, MedGen C3151138, MONDO:0013436, OMIM 613809.
Usher syndrome type 2A. Also called: RETINAL DISEASE IN USHER SYNDROME TYPE IIA, MODIFIER OF; USHER SYNDROME, TYPE IIA. Identifiers: Orphanet 231178, Orphanet 886, MedGen C1848634, MONDO:0010169, OMIM 276901.

Allele frequency attached by ClinVar (database versions not stated): gnomAD exomes below 0.00001; TOPMed below 0.00001; gnomAD 0.00001.
gnomAD v4.1: 4 of 1,613,170 alleles (0.00025%); highest among the groups gnomAD compares: African/African-American, 0.0027%; no homozygotes.

Submissions (3):

Labcorp Genetics (formerly Invitae), Labcorp
Classification: Pathogenic. Last evaluated: 2026-01-14. Review status: criteria provided, single submitter. Criteria: Invitae Variant Classification Sherloc (09022015). Collection method: clinical testing. Allele origin: germline.
Comment: This sequence change affects an acceptor splice site in intron 38 of the USH2A gene. It is expected to disrupt RNA splicing. Variants that disrupt the donor or acceptor splice site typically lead to a loss of protein function (PMID: 16199547), and loss-of-function variants in USH2A are known to be pathogenic (PMID: 10729113, 10909849, 20507924, 25649381). The frequency data for this variant in the population databases is considered unreliable, as metrics indicate poor data quality at this position in the gnomAD database. Disruption of this splice site has been observed in individuals with clinical features of retinitis pigmentosa (internal data). ClinVar contains an entry for this variant (Variation ID: 954043). Algorithms developed to predict the effect of sequence changes on RNA splicing suggest that this variant may disrupt the consensus splice site. For these reasons, this variant has been classified as Pathogenic.

Natera, Inc.
Classification: Likely pathogenic for Usher syndrome type 2A. Last evaluated: 2025-04-10. Review status: criteria provided, single submitter. Criteria: Natera Variant Classification Schema (03/2026). Collection method: clinical testing. Allele origin: germline.
Comment: The c.7301-1G>A variant in USH2A is a canonical splice acceptor site variant predicted to affect pre-mRNA splicing, which may result in an abnormal transcript and altered protein product. This variant is expected to result in nonsense mediated decay, truncation, or a dysfunctional protein product. This variant is rare in the general population with a frequency below the threshold expected for the associated phenotype(s). Given the available evidence, this variant is classified as Likely Pathogenic.

Baylor Genetics
Classification: Pathogenic for Retinitis pigmentosa 39. Last evaluated: 2023-03-14. Review status: criteria provided, single submitter. Criteria: ACMG Guidelines, 2015. Collection method: clinical testing. Allele origin: unknown.

Literature cited by the submitters: PubMed 16199547 (cited by Labcorp Genetics (formerly Invitae), Labcorp); PubMed 10729113 (cited by Labcorp Genetics (formerly Invitae), Labcorp); PubMed 10909849 (cited by Labcorp Genetics (formerly Invitae), Labcorp); PubMed 20507924 (cited by Labcorp Genetics (formerly Invitae), Labcorp); PubMed 25649381 (cited by Labcorp Genetics (formerly Invitae), Labcorp).